The following is an entry in ClinVar:

NM_032608.7(MYO18B):c.6009G>C (p.Met2003Ile)

Gene: MYO18B (myosin XVIIIB; plus strand). Cytogenetic location: 22q12.1.
Variant type: single nucleotide variant.
Coding change: c.6009G>C on transcript NM_032608.7 (MANE Select); coding-DNA position 6009, G replaced by C.
Protein change: p.Met2003Ile; replaces methionine 2003 with isoleucine.
Molecular consequence: missense variant.
Genome position (GRCh38, 1-based): chr22:25,955,217, G>C. VCF-style: chr22-25955217-G-C. GRCh37 (hg19) VCF-style: chr22-26351183-G-C.
Other names: c.6012G>C, p.Met2004Ile (NM_001318245.2); c.6009G>C (NM_032608.6, NM_032608.5); short protein forms M2003I, M2004I.
Identifiers: ClinVar variation 1671616 (VCV001671616.11), dbSNP rs368664839, ClinGen allele CA10161369.

ClinVar aggregate classification (germline): Conflicting classifications of pathogenicity. Review status: criteria provided, conflicting classifications (1 of 4 stars). 3 submissions from 3 submitters: Uncertain significance (1); Likely benign (1). 1 of the submissions does not count toward it. Last evaluated 2025-04-14.

Conditions:
Inborn genetic diseases. Identifiers: MedGen C0950123, MeSH D030342.
MYO18B-related disorder. Also called: MYO18B-related condition.

Allele frequency attached by ClinVar (database versions not stated): gnomAD 0.00001 and 0.00004; TOPMed 0.00002; 1000 Genomes Project 30x 0.00016; 1000 Genomes Project 0.00020.
gnomAD v4.1: 183 of 1,613,014 alleles (0.011%); highest among the groups gnomAD compares: South Asian, 0.18%; 1 homozygote.

Submissions (3):

Labcorp Genetics (formerly Invitae), Labcorp
Classification: Likely benign. Last evaluated: 2025-04-14. Review status: criteria provided, single submitter. Criteria: Invitae Variant Classification Sherloc (09022015). Collection method: clinical testing. Allele origin: germline.

Ambry Genetics
Classification: Uncertain significance for Inborn genetic diseases. Last evaluated: 2025-01-03. Review status: criteria provided, single submitter. Criteria: Ambry Variant Classification Scheme 2023. Collection method: clinical testing. Allele origin: germline.

PreventionGenetics, part of Exact Sciences
Classification: Likely benign for MYO18B-related condition. Last evaluated: 2022-02-16. Review status: no assertion criteria provided. Collection method: clinical testing. Allele origin: germline. Not counted in ClinVar's aggregate classification.
Comment: This variant is classified as likely benign based on ACMG/AMP sequence variant interpretation guidelines (Richards et al. 2015 PMID: 25741868, with internal and published modifications).